The following is an entry in ClinVar:

NM_001370259.2(MEN1):c.1000G>A (p.Val334Met)

Gene: MEN1 (menin 1; minus strand). Cytogenetic location: 11q13.1.
Variant type: single nucleotide variant.
Coding change: c.1000G>A on transcript NM_001370259.2 (MANE Select); coding-DNA position 1000, G replaced by A.
Protein change: p.Val334Met; replaces valine 334 with methionine.
Molecular consequence: missense variant.
Genome position (GRCh38, 1-based): chr11:64,806,281, C>T on the plus strand (G>A on the coding strand, the complement: MEN1 is on the minus strand). VCF-style: chr11-64806281-C-T. GRCh37 (hg19) VCF-style: chr11-64573753-C-T.
Other names: c.1015G>A, p.Val339Met (NM_000244.4, NM_130800.3, NM_130801.3 and 3 more transcripts); c.1000G>A, p.Val334Met (NM_001370251.2, NM_001370260.2, NM_001370261.2 and 1 more transcripts); c.895G>A, p.Val299Met (NM_001370262.2, NM_001370263.2); short protein forms V334M, V339M, V299M.
Identifiers: ClinVar variation 485713 (VCV000485713.12), dbSNP rs1555165027, ClinGen allele CA381183273.

ClinVar aggregate classification (germline): Uncertain significance. Review status: criteria provided, multiple submitters, no conflicts (2 of 4 stars). 4 submissions from 4 submitters: Uncertain significance (4). Last evaluated 2025-10-23.

Conditions:
Hereditary cancer-predisposing syndrome. Also called: Tumor predisposition; Neoplastic Syndromes, Hereditary; Hereditary Cancer Syndrome; Hereditary neoplastic syndrome. Identifiers: Orphanet 140162, MedGen C0027672, MeSH D009386, MONDO:0015356.
Multiple endocrine neoplasia, type 1 (MEN1). Also called: MEA I; MEN I; WERMER SYNDROME; Endocrine adenomatosis multiple; MEN 1. Identifiers: Orphanet 652, MedGen C0025267, MeSH D018761, MONDO:0007540, OMIM 131100.

Allele frequency attached by ClinVar (database versions not stated): gnomAD exomes below 0.00001.

Submissions (4):

Labcorp Genetics (formerly Invitae), Labcorp
Classification: Uncertain significance for Multiple endocrine neoplasia, type 1. Last evaluated: 2025-10-23. Review status: criteria provided, single submitter. Criteria: Invitae Variant Classification Sherloc (09022015). Collection method: clinical testing. Allele origin: germline.
Comment: This sequence change replaces valine, which is neutral and non-polar, with methionine, which is neutral and non-polar, at codon 334 of the MEN1 protein (p.Val334Met). This variant is not present in population databases (gnomAD no frequency). This variant has not been reported in the literature in individuals affected with MEN1-related conditions. ClinVar contains an entry for this variant (Variation ID: 485713). Invitae Evidence Modeling of protein sequence and biophysical properties (such as structural, functional, and spatial information, amino acid conservation, physicochemical variation, residue mobility, and thermodynamic stability) indicates that this missense variant is expected to disrupt MEN1 protein function with a positive predictive value of 95%. In summary, the available evidence is currently insufficient to determine the role of this variant in disease. Therefore, it has been classified as a Variant of Uncertain Significance.

Color Diagnostics, LLC DBA Color Health
Classification: Uncertain significance for Multiple endocrine neoplasia, type 1. Last evaluated: 2025-07-16. Review status: criteria provided, single submitter. Criteria: ACMG Guidelines, 2015. Collection method: clinical testing. Allele origin: germline.
Comment: This missense variant replaces valine with methionine at codon 334 of the MEN1 protein. Computational prediction is inconclusive regarding the impact of this variant on protein structure and function. To our knowledge, functional studies have not been reported for this variant. This variant has not been reported in individuals affected with MEN1-related disorders in the literature. This variant has not been identified in the general population by the Genome Aggregation Database (gnomAD). The available evidence is insufficient to determine the role of this variant in disease conclusively. Therefore, this variant is classified as a Variant of Uncertain Significance.

Ambry Genetics
Classification: Uncertain significance for Hereditary cancer-predisposing syndrome. Last evaluated: 2025-02-19. Review status: criteria provided, single submitter. Criteria: Ambry Variant Classification Scheme 2023. Collection method: clinical testing. Allele origin: germline.
Comment: The p.V334M variant (also known as c.1000G>A), located in coding exon 6 of the MEN1 gene, results from a G to A substitution at nucleotide position 1000. The valine at codon 334 is replaced by methionine, an amino acid with highly similar properties. This variant was not reported in population based cohorts in the following databases: Database of Single Nucleotide Polymorphisms (dbSNP), NHLBI Exome Sequencing Project (ESP), and 1000 Genomes Project. In the ESP, this variant was not observed in 6498 samples (12996 alleles) with coverage at this position. To date, this alteration has been detected with an allele frequency of approximately 0.01% (greater than 7000 alleles tested) in our clinical cohort. This amino acid position is well conserved in available vertebrate species. In addition, the in silico prediction for this alteration is inconclusive. Since supporting evidence is limited at this time, the clinical significance of this alteration remains unclear.

All of Us Research Program, National Institutes of Health
Classification: Uncertain significance for Multiple endocrine neoplasia, type 1. Last evaluated: 2024-08-30. Review status: criteria provided, single submitter. Criteria: ACMG Guidelines, 2015. Collection method: clinical testing. Allele origin: germline. Inheritance: Autosomal dominant inheritance. Observed: 1 variant allele, 1 heterozygote.
Comment: This study involves interpretation of variants in research participants for the purpose of population health screening. Participant phenotype was not available at the time of variant classification. Additional details can be found in publication PMID: 35346344, PMCID: PMC8962531